The following is an entry in ClinVar:

NC_000002.12:g.(?_214745057)_(214767664_?)del

Gene: BARD1 (BRCA1 associated RING domain 1; minus strand). Cytogenetic location: 2q35.
Variant type: Deletion.
Identifiers: ClinVar variation 832654 (VCV000832654.4).

ClinVar aggregate classification (germline): Pathogenic (1 of 4 stars; one submission).

Conditions:
Familial cancer of breast. Also called: BREAST CANCER, FAMILIAL; Hereditary breast cancer; hereditary breast carcinoma. Identifiers: Orphanet 227535, MedGen C0346153, MONDO:0016419, OMIM 114480. Disease mechanism: loss of function.

Submission:

Labcorp Genetics (formerly Invitae), Labcorp
Classification: Pathogenic for Familial cancer of breast. Last evaluated: 2022-09-22. Review status: criteria provided, single submitter. Criteria: Invitae Variant Classification Sherloc (09022015). Collection method: clinical testing. Allele origin: germline.
Comment: For these reasons, this variant has been classified as Pathogenic. This variant has not been reported in the literature in individuals affected with BARD1-related conditions. This variant is a gross deletion of the genomic region encompassing exon(s) 6-9 of the BARD1 gene. This deletion is out-of-frame, and is expected to create a premature termination codon and result in an absent or disrupted protein product. Loss-of-function variants in BARD1 are known to be pathogenic (PMID: 20077502, 21344236).

Literature cited by the submitters: PubMed 20077502; PubMed 21344236.